The following is an entry in ClinVar:

NM_001184900.3(CARD8):c.543-9T>A

Gene: CARD8 (caspase recruitment domain family member 8; minus strand). Cytogenetic location: 19q13.33.
Variant type: single nucleotide variant.
Coding change: c.543-9T>A on transcript NM_001184900.3 (MANE Select); 9 bases into the intron before coding-DNA position 543, T replaced by A.
Molecular consequence: intron variant.
Genome position (GRCh38, 1-based): chr19:48,231,015, A>T on the plus strand (T>A on the coding strand, the complement: CARD8 is on the minus strand). VCF-style: chr19-48231015-A-T. GRCh37 (hg19) VCF-style: chr19-48734272-A-T.
Other names: c.228-9T>A (NM_001351787.2, NM_001351791.2, NM_001351792.2 and 2 more transcripts); c.393-9T>A (NM_001351788.2, NM_001351789.2, NM_014959.5 and 2 more transcripts); c.207-9T>A (NM_001351786.2); c.300-9T>A (NM_001351790.2); c.543-9T>A (NM_001184902.2, NM_001351782.2, NM_001184903.1).
Identifiers: ClinVar variation 1386194 (VCV001386194.6), dbSNP rs752981551, ClinGen allele CA9547978.

ClinVar aggregate classification (germline): Uncertain significance (1 of 4 stars; one submission).

Allele frequency attached by ClinVar (database versions not stated): gnomAD exomes 0.00001 and 0.00005; ExAC 0.00002; gnomAD 0.00003; TOPMed 0.00003.
gnomAD v4.1: 68 of 1,607,894 alleles (0.0042%); highest among the groups gnomAD compares: Non-Finnish European, 0.0056%; no homozygotes.

Submission:

Labcorp Genetics (formerly Invitae), Labcorp
Classification: Uncertain significance. Last evaluated: 2025-05-08. Review status: criteria provided, single submitter. Criteria: Invitae Variant Classification Sherloc (09022015). Collection method: clinical testing. Allele origin: germline.
Comment: This sequence change falls in intron 6 of the CARD8 gene. It does not directly change the encoded amino acid sequence of the CARD8 protein. This variant is present in population databases (rs752981551, gnomAD 0.004%). This variant has not been reported in the literature in individuals affected with CARD8-related conditions. ClinVar contains an entry for this variant (Variation ID: 1386194). Algorithms developed to predict the effect of sequence changes on RNA splicing suggest that this variant may disrupt the consensus splice site. In summary, the available evidence is currently insufficient to determine the role of this variant in disease. Therefore, it has been classified as a Variant of Uncertain Significance.